The following is an entry in ClinVar:

ClinVar aggregate classification (germline): Uncertain significance (1 of 4 stars; one submission).

gnomAD v4.1: 5 of 1,613,976 alleles (0.00031%); highest among the groups gnomAD compares: South Asian, 0.0011%; no homozygotes.

Submission:

GeneDx
Classification: Uncertain significance. Last evaluated: 2019-12-04. Review status: criteria provided, single submitter. Criteria: GeneDx Variant Classification Process June 2021. Collection method: clinical testing. Allele origin: germline. Affected: yes.
Comment: Not observed at a significant frequency in large population cohorts (Lek et al., 2016); In silico analysis, which includes protein predictors and evolutionary conservation, supports a deleterious effect; Splice predictors are inconclusive as to whether the variant alters gene splicing. In the absence of RNA/functional studies, the actual effect of this sequence change is unknown.; Has not been previously published as pathogenic or benign to our knowledge; This variant is associated with the following publications: (PMID: 32457805)

NM_024079.5(ALG8):c.446T>G (p.Leu149Arg)

Gene: ALG8 (ALG8 alpha-1,3-glucosyltransferase; minus strand). Cytogenetic location: 11q14.1.
Variant type: single nucleotide variant.
Coding change: c.446T>G on transcript NM_024079.5 (MANE Select); coding-DNA position 446, T replaced by G.
Protein change: p.Leu149Arg; replaces leucine 149 with arginine.
Molecular consequence: missense variant.
Genome position (GRCh38, 1-based): chr11:78,121,097, A>C on the plus strand (T>G on the coding strand, the complement: ALG8 is on the minus strand). VCF-style: chr11-78121097-A-C. GRCh37 (hg19) VCF-style: chr11-77832143-A-C.
Other names: c.446T>G, p.Leu149Arg (NM_001007027.3); short protein forms L149R.
Identifiers: ClinVar variation 1310520 (VCV001310520.2), dbSNP rs756243372, ClinGen allele CA6203480.